The following is an entry in ClinVar:

ClinVar aggregate classification (germline): Uncertain significance (1 of 4 stars; one submission).

Submission:

GeneDx
Classification: Uncertain significance. Last evaluated: 2022-04-11. Review status: criteria provided, single submitter. Criteria: GeneDx Variant Classification Process June 2021. Collection method: clinical testing. Allele origin: germline. Affected: yes.
Comment: Not observed at significant frequency in large population cohorts (gnomAD); In silico analysis supports that this missense variant has a deleterious effect on protein structure/function; De novo variant with confirmed parentage; however, the reported clinical features are only partially consistent with the features typically observed in individuals with pathogenic variants in this gene; Has not been previously published as pathogenic or benign to our knowledge

NM_002430.3(MN1):c.2474T>A (p.Leu825Gln)

Gene: MN1 (MN1 proto-oncogene, transcriptional regulator; minus strand). Cytogenetic location: 22q12.1.
Variant type: single nucleotide variant.
Coding change: c.2474T>A on transcript NM_002430.3 (MANE Select); coding-DNA position 2474, T replaced by A.
Protein change: p.Leu825Gln; replaces leucine 825 with glutamine.
Molecular consequence: missense variant.
Genome position (GRCh38, 1-based): chr22:27,798,070, A>T on the plus strand (T>A on the coding strand, the complement: MN1 is on the minus strand). VCF-style: chr22-27798070-A-T. GRCh37 (hg19) VCF-style: chr22-28194058-A-T.
Other names: short protein forms L825Q.
Identifiers: ClinVar variation 1708826 (VCV001708826.2), dbSNP rs2517771236, ClinGen allele CA411045605.